The following is an entry in ClinVar:

ClinVar aggregate classification (germline): Conflicting classifications of pathogenicity. Review status: criteria provided, conflicting classifications (1 of 4 stars). 5 submissions from 5 submitters: Likely pathogenic (2); Uncertain significance (3). Last evaluated 2025-10-06.

Conditions:
Dilated cardiomyopathy 1G (CMD1G). Identifiers: Orphanet 154, MedGen C1858763, MONDO:0011400, OMIM 604145.
Autosomal recessive limb-girdle muscular dystrophy type 2J (LGMDR10). Also called: MUSCULAR DYSTROPHY, LIMB-GIRDLE, AUTOSOMAL RECESSIVE 10; Limb-girdle muscular dystrophy, type 2J. Identifiers: Orphanet 140922, MedGen C1837342, MONDO:0012127, OMIM 608807.

Allele frequency attached by ClinVar (database versions not stated): gnomAD exomes below 0.00001; gnomAD 0.00001; TOPMed 0.00001.
gnomAD v4.1: 26 of 1,610,522 alleles (0.0016%); highest among the groups gnomAD compares: Non-Finnish European, 0.0021%; no homozygotes.

Submissions (5):

Labcorp Genetics (formerly Invitae), Labcorp
Classification: Likely pathogenic for Dilated cardiomyopathy 1G; Autosomal recessive limb-girdle muscular dystrophy type 2J. Last evaluated: 2025-10-06. Review status: criteria provided, single submitter. Criteria: Invitae Variant Classification Sherloc (09022015). Collection method: clinical testing. Allele origin: germline.
Comment: This sequence change affects a donor splice site in intron 91 of the TTN gene. It is expected to disrupt RNA splicing and likely results in a truncated or disrupted TTN protein. This variant is present in population databases (no rsID available, gnomAD 0.0009%). This variant has not been reported in the literature in individuals affected with TTN-related conditions. ClinVar contains an entry for this variant (Variation ID: 1162946). Algorithms developed to predict the effect of sequence changes on RNA splicing suggest that this variant may disrupt the consensus splice site. This variant is located in the I band of TTN (PMID: 25589632). Truncating variants in this region have been reported in individuals affected with autosomal recessive centronuclear myopathy (PMID: 23975875, internal data). Truncating variants in this region have also been identified in individuals affected with autosomal dominant dilated cardiomyopathy and/or cardio-related conditions (PMID: 27869827, 32964742, internal data). In summary, the currently available evidence indicates that the variant is pathogenic, but additional data are needed to prove that conclusively. Therefore, this variant has been classified as Likely Pathogenic.

GeneDx
Classification: Uncertain significance. Last evaluated: 2024-12-11. Review status: criteria provided, single submitter. Criteria: GeneDx Variant Classification Process June 2021. Collection method: clinical testing. Allele origin: germline.
Comment: Canonical splice site variant with an unclear effect on protein function; Not observed at significant frequency in large population cohorts (gnomAD); This variant is associated with the following publications: (PMID: 35177841, 33226272, 31691645)

Revvity Omics, Revvity
Classification: Uncertain significance. Last evaluated: 2022-07-06. Review status: criteria provided, single submitter. Criteria: ACMG Guidelines, 2015. Collection method: clinical testing. Allele origin: germline.

AiLife Diagnostics
Classification: Likely pathogenic. Last evaluated: 2021-12-27. Review status: criteria provided, single submitter. Criteria: ACMG Guidelines, 2015. Collection method: clinical testing. Allele origin: germline. Affected: yes. Observed: 2 variant alleles.

Mayo Clinic Laboratories, Mayo Clinic
Classification: Uncertain significance. Last evaluated: 2020-02-18. Review status: criteria provided, single submitter. Criteria: ACMG Guidelines, 2015. Collection method: clinical testing. Allele origin: germline. Observed: 1 variant allele.

Literature cited by the submitters: PubMed 25589632 (cited by Labcorp Genetics (formerly Invitae), Labcorp); PubMed 23975875 (cited by Labcorp Genetics (formerly Invitae), Labcorp); PubMed 27869827 (cited by Labcorp Genetics (formerly Invitae), Labcorp); PubMed 32964742 (cited by Labcorp Genetics (formerly Invitae), Labcorp).

NM_001267550.2(TTN):c.26482+1G>C

Gene: TTN (titin; minus strand). Cytogenetic location: 2q31.2.
Variant type: single nucleotide variant.
Coding change: c.26482+1G>C on transcript NM_001267550.2 (MANE Select); the canonical splice donor site of the intron after coding-DNA position 26482, G replaced by C.
Molecular consequence: splice donor variant. On other transcripts: intron variant (3).
Genome position (GRCh38, 1-based): chr2:178,714,291, C>G on the plus strand (G>C on the coding strand, the complement: TTN is on the minus strand). VCF-style: chr2-178714291-C-G. GRCh37 (hg19) VCF-style: chr2-179579018-C-G.
Other names: c.13282+23791G>C (NM_003319.4); c.13858+23791G>C (NM_133437.4); c.13657+23791G>C (NM_133432.3); c.22750+1G>C (NM_133378.4); c.25531+1G>C (NM_001256850.1).
Identifiers: ClinVar variation 1162946 (VCV001162946.17), dbSNP rs1440418037, ClinGen allele CA349469020.
Genomic context (GRCh38, chr2:178,714,291, plus strand): 5'-AAAATACAGATCCTGGTGAGTGTGTGCCTTGTATCTGTGATAACATCATCTTTTTACTAA[C>G]CGAGAACGGATAGCGTGGCGAAGCACTCTTGCATCCCAGCATCGTTTTTGATCTGACAAG-3'